The following is an entry in ClinVar:

NM_000264.5(PTCH1):c.983A>G (p.His328Arg)

Gene: PTCH1 (patched 1; minus strand). Cytogenetic location: 9q22.32.
Variant type: single nucleotide variant.
Coding change: c.983A>G on transcript NM_000264.5 (MANE Select); coding-DNA position 983, A replaced by G.
Protein change: p.His328Arg; replaces histidine 328 with arginine.
Molecular consequence: missense variant. On other transcripts: non-coding transcript variant (1).
Genome position (GRCh38, 1-based): chr9:95,480,053, T>C on the plus strand (A>G on the coding strand, the complement: PTCH1 is on the minus strand). VCF-style: chr9-95480053-T-C. GRCh37 (hg19) VCF-style: chr9-98242335-T-C.
Other names: c.983A>G (NM_000264.4); c.785A>G, p.His262Arg (NM_001083602.3); c.980A>G, p.His327Arg (NM_001083603.3); c.530A>G, p.His177Arg (NM_001083604.3, NM_001083605.3, NM_001083606.3 and 1 more transcripts); c.983A>G, p.His328Arg (NM_001354918.2); short protein forms H327R, H328R, H177R, H262R.
Identifiers: ClinVar variation 2452096 (VCV002452096.4), dbSNP rs1484111496, ClinGen allele CA374119742.
Genomic context (GRCh38, chr9:95,480,053, plus strand): 5'-TTGACTGTGCCACCCACAATCAACTCCTCCTGCCAGTGCATATACTTTCTGGATAAGCCA[T>C]GACATCCACCATTCAAAACAAGGGCCATATCAAGAGGCTAAAATAAAAAGACAGCCACAT-3'
Protein context (NP_000255.2, residues 318-338): DMALVLNGGC[His328Arg]GLSRKYMHWQ

ClinVar aggregate classification (germline): Uncertain significance. Review status: criteria provided, multiple submitters, no conflicts (2 of 4 stars). 2 submissions from 2 submitters: Uncertain significance (2). Last evaluated 2025-11-20.

Conditions:
Hereditary cancer-predisposing syndrome. Also called: Neoplastic Syndromes, Hereditary; Tumor predisposition; Hereditary neoplastic syndrome; Hereditary Cancer Syndrome. Identifiers: Orphanet 140162, MedGen C0027672, MeSH D009386, MONDO:0015356.

gnomAD v4.1: 1 of 1,613,962 alleles (0.000062%); highest among the groups gnomAD compares: Non-Finnish European, 0.000085%; no homozygotes.

Submissions (2):

Ambry Genetics
Classification: Uncertain significance for Hereditary cancer-predisposing syndrome. Last evaluated: 2025-11-20. Review status: criteria provided, single submitter. Criteria: Ambry Variant Classification Scheme 2023. Collection method: clinical testing. Allele origin: germline.
Comment: The p.H328R variant (also known as c.983A>G), located in coding exon 7 of the PTCH1 gene, results from an A to G substitution at nucleotide position 983. The histidine at codon 328 is replaced by arginine, an amino acid with highly similar properties. This amino acid position is conserved. In addition, the in silico prediction for this alteration is inconclusive. Since supporting evidence is limited at this time, the clinical significance of this alteration remains unclear.

Quest Diagnostics Nichols Institute San Juan Capistrano
Classification: Uncertain significance. Last evaluated: 2022-11-03. Review status: criteria provided, single submitter. Criteria: Quest Diagnostics criteria. Collection method: clinical testing. Allele origin: unknown.
Comment: The variant has not been reported in the published literature. It also has not been reported in large, multi-ethnic general populations. Analysis of this variant using bioinformatics tools for the prediction of the effect of amino acid changes on protein structure and function yielded predictions that this variant is benign. Based on the available information, we are unable to determine the clinical significance of this variant.